The following is an entry in ClinVar:

NM_032608.7(MYO18B):c.355C>A (p.Gln119Lys)

Gene: MYO18B (myosin XVIIIB; plus strand). Cytogenetic location: 22q12.1.
Variant type: single nucleotide variant.
Coding change: c.355C>A on transcript NM_032608.7 (MANE Select); coding-DNA position 355, C replaced by A.
Protein change: p.Gln119Lys; replaces glutamine 119 with lysine.
Molecular consequence: missense variant.
Genome position (GRCh38, 1-based): chr22:25,768,271, C>A. VCF-style: chr22-25768271-C-A. GRCh37 (hg19) VCF-style: chr22-26164238-C-A.
Other names: c.355C>A, p.Gln119Lys (NM_001318245.2); short protein forms Q119K.
Identifiers: ClinVar variation 1969147 (VCV001969147.5), dbSNP rs773128905, ClinGen allele CA411001320.

ClinVar aggregate classification (germline): Uncertain significance (1 of 4 stars; one submission).

Submission:

Labcorp Genetics (formerly Invitae), Labcorp
Classification: Uncertain significance. Last evaluated: 2024-01-02. Review status: criteria provided, single submitter. Criteria: Invitae Variant Classification Sherloc (09022015). Collection method: clinical testing. Allele origin: germline.
Comment: This sequence change replaces glutamine, which is neutral and polar, with lysine, which is basic and polar, at codon 119 of the MYO18B protein (p.Gln119Lys). This variant is not present in population databases (gnomAD no frequency). This variant has not been reported in the literature in individuals affected with MYO18B-related conditions. ClinVar contains an entry for this variant (Variation ID: 1969147). An algorithm developed to predict the effect of missense changes on protein structure and function (PolyPhen-2) suggests that this variant is likely to be tolerated. In summary, the available evidence is currently insufficient to determine the role of this variant in disease. Therefore, it has been classified as a Variant of Uncertain Significance.